The following is an entry in ClinVar:

ClinVar aggregate classification (germline): Uncertain significance (1 of 4 stars; one submission).

Conditions:
Gorlin syndrome. Also called: Nevoid Basal Cell Carcinoma Syndrome; Basal cell nevus syndrome. Identifiers: Orphanet 377, MedGen C0004779, MONDO:0007187.

Submission:

Labcorp Genetics (formerly Invitae), Labcorp
Classification: Uncertain significance for Gorlin syndrome. Last evaluated: 2023-12-12. Review status: criteria provided, single submitter. Criteria: Invitae Variant Classification Sherloc (09022015). Collection method: clinical testing. Allele origin: germline.
Comment: This sequence change replaces tyrosine, which is neutral and polar, with cysteine, which is neutral and slightly polar, at codon 812 of the PTCH1 protein (p.Tyr812Cys). This variant is not present in population databases (gnomAD no frequency). This variant has not been reported in the literature in individuals affected with PTCH1-related conditions. Advanced modeling of protein sequence and biophysical properties (such as structural, functional, and spatial information, amino acid conservation, physicochemical variation, residue mobility, and thermodynamic stability) performed at Invitae indicates that this missense variant is expected to disrupt PTCH1 protein function with a positive predictive value of 95%. In summary, the available evidence is currently insufficient to determine the role of this variant in disease. Therefore, it has been classified as a Variant of Uncertain Significance.

NM_000264.5(PTCH1):c.2435A>G (p.Tyr812Cys)

Genes: PTCH1 (patched 1; minus strand), LOC100507346 (uncharacterized LOC100507346; plus strand). Cytogenetic location: 9q22.32.
Variant type: single nucleotide variant.
Coding change: c.2435A>G on transcript NM_000264.5 (MANE Select); coding-DNA position 2435, A replaced by G.
Protein change: p.Tyr812Cys; replaces tyrosine 812 with cysteine.
Molecular consequence: missense variant. On other transcripts: non-coding transcript variant (1).
Genome position (GRCh38, 1-based): chr9:95,467,241, T>C on the plus strand (A>G on the coding strand, the complement: PTCH1 is on the minus strand). VCF-style: chr9-95467241-T-C. GRCh37 (hg19) VCF-style: chr9-98229523-T-C.
Other names: c.2237A>G, p.Tyr746Cys (NM_001083602.3); c.2432A>G, p.Tyr811Cys (NM_001083603.3); c.1982A>G, p.Tyr661Cys (NM_001083604.3, NM_001083605.3, NM_001083606.3 and 1 more transcripts); c.2279A>G, p.Tyr760Cys (NM_001354918.2); short protein forms Y760C, Y661C, Y746C, Y811C, Y812C.
Identifiers: ClinVar variation 2702365 (VCV002702365.3), dbSNP rs2117958896, ClinGen allele CA374114192.